The following is an entry in ClinVar:

ClinVar aggregate classification (germline): Uncertain significance. Review status: criteria provided, multiple submitters, no conflicts (2 of 4 stars). 2 submissions from 2 submitters: Uncertain significance (2). Last evaluated 2025-12-02.

Conditions:
Skeletal overgrowth-craniofacial dysmorphism-hyperelastic skin-white matter lesions syndrome. Also called: SKELETAL OVERGROWTH WITH FACIAL DYSMORPHISM, HYPERELASTIC SKIN, WHITE MATTER LESIONS, AND NEUROLOGIC DETERIORATION; Kosaki overgrowth syndrome. Identifiers: Orphanet 477831, MedGen C4225270, MONDO:0014704, OMIM 616592.
Infantile myofibromatosis (IMF). Also called: Congenital generalized fibromatosis. Identifiers: Orphanet 2591, MedGen C0432284, MONDO:0016824.
Basal ganglia calcification, idiopathic, 4 (PFBC4). Also called: Familial Idiopathic Basal Ganglia Calcification 4; PRIMARY FAMILIAL BRAIN CALCIFICATION 4, AUTOSOMAL DOMINANT. Identifiers: Orphanet 1980, MedGen C3554321, MONDO:0014004, OMIM 615007.
Acroosteolysis-keloid-like lesions-premature aging syndrome. Also called: Progeroid syndrome, Penttinen type; Premature aging syndrome, Penttinen type; Prematurely aged appearance, delayed bone maturation, acro-osteolysis, and brachydactyly. Identifiers: Orphanet 363665, MedGen C1866182, MONDO:0011150, OMIM 601812.
Inborn genetic diseases. Identifiers: MedGen C0950123, MeSH D030342.

Allele frequency attached by ClinVar (database versions not stated): ExAC 0.00006; gnomAD exomes 0.00001; TOPMed 0.00001.
gnomAD v4.1: 15 of 1,613,846 alleles (0.00093%); highest among the groups gnomAD compares: Admixed American, 0.025%; no homozygotes.

Submissions (2):

Labcorp Genetics (formerly Invitae), Labcorp
Classification: Uncertain significance for Basal ganglia calcification, idiopathic, 4; Skeletal overgrowth-craniofacial dysmorphism-hyperelastic skin-white matter lesions syndrome; Infantile myofibromatosis; Acroosteolysis-keloid-like lesions-premature aging syndrome. Last evaluated: 2025-12-02. Review status: criteria provided, single submitter. Criteria: Invitae Variant Classification Sherloc (09022015). Collection method: clinical testing. Allele origin: germline.
Comment: This sequence change replaces leucine, which is neutral and non-polar, with isoleucine, which is neutral and non-polar, at codon 93 of the PDGFRB protein (p.Leu93Ile). This variant is present in population databases (rs764858656, gnomAD 0.02%). This variant has not been reported in the literature in individuals affected with PDGFRB-related conditions. ClinVar contains an entry for this variant (Variation ID: 2284755). Invitae Evidence Modeling of protein sequence and biophysical properties (such as structural, functional, and spatial information, amino acid conservation, physicochemical variation, residue mobility, and thermodynamic stability) indicates that this missense variant is not expected to disrupt PDGFRB protein function with a negative predictive value of 80%. In summary, the available evidence is currently insufficient to determine the role of this variant in disease. Therefore, it has been classified as a Variant of Uncertain Significance.

Ambry Genetics
Classification: Uncertain significance for Inborn genetic diseases. Last evaluated: 2021-07-14. Review status: criteria provided, single submitter. Criteria: Ambry Variant Classification Scheme 2023. Collection method: clinical testing. Allele origin: germline.

NM_002609.4(PDGFRB):c.277C>A (p.Leu93Ile)

Gene: PDGFRB (platelet derived growth factor receptor beta; minus strand). Cytogenetic location: 5q32.
Variant type: single nucleotide variant.
Coding change: c.277C>A on transcript NM_002609.4 (MANE Select); coding-DNA position 277, C replaced by A.
Protein change: p.Leu93Ile; replaces leucine 93 with isoleucine.
Molecular consequence: missense variant. On other transcripts: 5 prime UTR variant (1).
Genome position (GRCh38, 1-based): chr5:150,135,642, G>T on the plus strand (C>A on the coding strand, the complement: PDGFRB is on the minus strand). VCF-style: chr5-150135642-G-T. GRCh37 (hg19) VCF-style: chr5-149515205-G-T.
Other names: c.85C>A, p.Leu29Ile (NM_001355016.2); c.-241C>A (NM_001355017.2); short protein forms L93I, L29I.
Identifiers: ClinVar variation 2284755 (VCV002284755.3), dbSNP rs764858656, ClinGen allele CA3508372.
Genomic context (GRCh38, chr5:150,135,642, plus strand): 5'-GCTCATCGGTCTCCAGTCCACGGGAGTCATTGTGGGTGCAAAAGTATTCTCCCGTGTCTA[G>T]CCCAGTGAGGTTGGTCAGTGTGAGCACGCTGGAGAAGGTGCCATCCTGGGCCTTGGCCAT-3'
Protein context (NP_002600.1, residues 83-103): SVLTLTNLTG[Leu93Ile]DTGEYFCTHN